The following is an entry in ClinVar:

ClinVar aggregate classification (germline): Likely benign (1 of 4 stars; one submission).

Submission:

Center for Genomic Medicine, Rigshospitalet, Copenhagen University Hospital
Classification: Likely benign. Last evaluated: 2025-12-29. Review status: criteria provided, single submitter. Criteria: ACMG Guidelines, 2015. Collection method: clinical testing. Allele origin: germline.
Comment: Classification criteria: BP1_strong

NM_000059.4(BRCA2):c.1084G>C (p.Asp362His)

Gene: BRCA2 (BRCA2 DNA repair associated; plus strand). Cytogenetic location: 13q13.1.
Variant type: single nucleotide variant.
Coding change: c.1084G>C on transcript NM_000059.4 (MANE Select); coding-DNA position 1084, G replaced by C.
Protein change: p.Asp362His; replaces aspartic acid 362 with histidine.
Molecular consequence: missense variant. On other transcripts: intron variant (1), non-coding transcript variant (1).
Genome position (GRCh38, 1-based): chr13:32,332,562, G>C. VCF-style: chr13-32332562-G-C. GRCh37 (hg19) VCF-style: chr13-32906699-G-C.
Other names: c.424+1532G>C (NM_001406722.1); c.1084G>C, p.Asp362His (NM_001406719.1, NM_001406720.1, NM_001406721.1 and 1 more transcripts); short protein forms D362H.
Identifiers: ClinVar variation 4539145 (VCV004539145.1).